The following is an entry in ClinVar:

NM_000059.4(BRCA2):c.4436G>C (p.Ser1479Thr)

Gene: BRCA2 (BRCA2 DNA repair associated; plus strand). Cytogenetic location: 13q13.1.
Variant type: single nucleotide variant.
Coding change: c.4436G>C on transcript NM_000059.4 (MANE Select); coding-DNA position 4436, G replaced by C.
Protein change: p.Ser1479Thr; replaces serine 1479 with threonine.
Molecular consequence: missense variant.
Genome position (GRCh38, 1-based): chr13:32,338,791, G>C. VCF-style: chr13-32338791-G-C. GRCh37 (hg19) VCF-style: chr13-32912928-G-C.
Other names: p.S1479T:AGT>ACT; short protein forms S1479T.
Identifiers: ClinVar variation 51648 (VCV000051648.35), dbSNP rs80358678, ClinGen allele CA020182.
Genomic context (GRCh38, chr13:32,338,791, plus strand): 5'-ACTTTTCCTTAAATTCTGAATTACATTCTGACATAAGAAAGAACAAAATGGACATTCTAA[G>C]TTATGAGGAAACAGACATAGTTAAACACAAAATACTGAAAGAAAGTGTCCCAGTTGGTAC-3'
Protein context (NP_000050.3, residues 1469-1489): DIRKNKMDIL[Ser1479Thr]YEETDIVKHK

ClinVar aggregate classification (germline): Benign/Likely benign. Review status: criteria provided, multiple submitters, no conflicts (2 of 4 stars). 13 submissions from 13 submitters: Benign (1); Likely benign (7). 5 of the submissions do not count toward it. Last evaluated 2026-04-17.

Conditions:
Inherited breast cancer and ovarian cancer.
BRCA2-related disorder. Also called: BRCA2-related disorders; BRCA2-related condition. Identifiers: MedGen CN239275.
Hereditary cancer-predisposing syndrome. Also called: Hereditary neoplastic syndrome; Neoplastic Syndromes, Hereditary; Hereditary Cancer Syndrome; Tumor predisposition. Identifiers: Orphanet 140162, MedGen C0027672, MeSH D009386, MONDO:0015356.
Hereditary breast ovarian cancer syndrome. Also called: Breast and ovarian cancer; Hereditary breast and ovarian cancer syndrome; BRCA1- and BRCA2-Associated Hereditary Breast and Ovarian Cancer; Hereditary breast and ovarian cancer; Hereditary breast and ovarian cancer syndrome (HBOC); Hereditary breast and/or ovarian cancer syndrome. Identifiers: Orphanet 145, MedGen C0677776, MeSH D061325, MONDO:0003582. Disease mechanism: loss of function.
Breast-ovarian cancer, familial, susceptibility to, 2 (BROVCA2). Also called: BRCA2 Hereditary Breast and Ovarian Cancer. Identifiers: Orphanet 145, MedGen C2675520, MONDO:0012933, OMIM 612555. Disease mechanism: loss of function.

Allele frequency attached by ClinVar (database versions not stated): ExAC 0.00001; gnomAD 0.00001 and 0.00003; gnomAD exomes 0.00001; TOPMed 0.00002; 1000 Genomes Project 30x 0.00016.
gnomAD v4.1: 179 of 1,613,032 alleles (0.011%); highest among the groups gnomAD compares: Non-Finnish European, 0.015%; no homozygotes.

Submissions (13):

Cambridge Genomics Laboratory, East Genomic Laboratory Hub, NHS Genomic Medicine Service
Classification: Benign for Inherited breast cancer and ovarian cancer. Last evaluated: 2026-04-17. Review status: criteria provided, single submitter. Criteria: ACGS Best Practice Guidelines for Variant Classification in Rare Disease 2020. Collection method: clinical testing. Allele origin: germline. Affected: yes.
Comment: BS3,BS1_Strong,BP4

Labcorp Genetics (formerly Invitae), Labcorp
Classification: Likely benign for Hereditary breast ovarian cancer syndrome. Last evaluated: 2026-02-01. Review status: criteria provided, single submitter. Criteria: Invitae Variant Classification Sherloc (09022015). Collection method: clinical testing. Allele origin: germline.

Women's Health and Genetics/Laboratory Corporation of America, LabCorp
Classification: Likely benign. Last evaluated: 2025-05-09. Review status: criteria provided, single submitter. Criteria: LabCorp Variant Classification Summary - May 2015. Collection method: clinical testing. Allele origin: germline.
Comment: Variant summary: BRCA2 c.4436G>C (p.Ser1479Thr) results in a conservative amino acid change in the encoded protein sequence. Algorithms developed to predict the effect of missense changes on protein structure and function all suggest that this variant is likely to be tolerated. The variant allele was found at a frequency of 8e-06 in 249702 control chromosomes (gnomAD). The available data on variant occurrences in the general population are insufficient to allow any conclusion about variant significance. c.4436G>C has been observed in individuals affected with breast and ovarian cancers without strong evidence for causality (e.g., Borg_2010, Mattocks_2010, Harismendy_2013, Delahunty_2022). These report(s) do not provide unequivocal conclusions about association of the variant with Hereditary Breast And Ovarian Cancer Syndrome. At-least two co-occurrences with other pathogenic variants have been observed in the BIC database (BRCA2 c.3911_3911delC, p.Thr1304Ilefs; BRCA1 c.3710_3710delT, p.Ile1237Asnfs), providing supporting evidence for a benign role. At least one publication reports experimental evidence evaluating an impact on protein function using a mouse embryonic stem cell-based assay (Biswas_2020). The variant was able to rescue the lethal phenotype as effectively as wild-type BRCA2, suggesting this variant has little to no damaging effect on protein function. The following publications have been ascertained in the context of this evaluation (PMID: 20104584, 21520273, 20167696, 24326041, 33293522, 35263119, 34326862). ClinVar contains an entry for this variant (Variation ID: 51648). Based on the evidence outlined above, the variant was classified as likely benign.

Ambry Genetics
Classification: Likely benign for Hereditary cancer-predisposing syndrome. Last evaluated: 2024-08-19. Review status: criteria provided, single submitter. Criteria: Ambry Variant Classification Scheme 2023. Collection method: clinical testing. Allele origin: germline.

University of Washington Department of Laboratory Medicine, University of Washington
Classification: Likely benign for Hereditary cancer-predisposing syndrome. Last evaluated: 2023-03-23. Review status: criteria provided, single submitter. Criteria: Dines et al. (Genet Med. 2020). Collection method: curation. Allele origin: germline.
Comment: Missense variant in a coldspot region where missense variants are very unlikely to be pathogenic (PMID:31911673).

BRCA2 exon 11 coldspot. Reclassification based on statistical prior probability.

Quest Diagnostics Nichols Institute San Juan Capistrano
Classification: Likely benign. Last evaluated: 2022-12-07. Review status: criteria provided, single submitter. Criteria: Quest Diagnostics criteria. Collection method: clinical testing. Allele origin: unknown.

GeneDx
Classification: Likely benign. Last evaluated: 2018-01-16. Review status: criteria provided, single submitter. Criteria: GeneDx Variant Classification (06012015). Collection method: clinical testing. Allele origin: germline. Affected: yes.
Comment: This variant is considered likely benign or benign based on one or more of the following criteria: it is a conservative change, it occurs at a poorly conserved position in the protein, it is predicted to be benign by multiple in silico algorithms, and/or has population frequency not consistent with disease.

Color Diagnostics, LLC DBA Color Health
Classification: Likely benign for Hereditary cancer-predisposing syndrome. Last evaluated: 2017-06-21. Review status: criteria provided, single submitter. Criteria: ACMG Guidelines, 2015. Collection method: clinical testing. Allele origin: germline.

PreventionGenetics, part of Exact Sciences
Classification: Likely benign for BRCA2-related condition. Last evaluated: 2024-03-26. Review status: no assertion criteria provided. Collection method: clinical testing. Allele origin: germline. Not counted in ClinVar's aggregate classification.
Comment: This variant is classified as likely benign based on ACMG/AMP sequence variant interpretation guidelines (Richards et al. 2015 PMID: 25741868, with internal and published modifications).

Counsyl
Classification: Uncertain significance for Breast-ovarian cancer, familial, susceptibility to, 2. Last evaluated: 2016-10-05. Review status: no assertion criteria provided. Collection method: clinical testing. Allele origin: unknown. Not counted in ClinVar's aggregate classification.

Pathway Genomics
Classification: Uncertain significance for Breast-ovarian cancer, familial 2. Last evaluated: 2014-10-30. Review status: no assertion criteria provided. Criteria: ACMG Guidelines, 2015. Collection method: clinical testing. Allele origin: germline. Affected: yes. Not counted in ClinVar's aggregate classification.

Breast Cancer Information Core (BIC) (BRCA2)
Classification: Uncertain significance for Breast-ovarian cancer, familial 2. Last evaluated: 2004-02-20. Review status: no assertion criteria provided. Collection method: clinical testing. Allele origin: germline. Affected: yes. Observed: 8 variant alleles. Not counted in ClinVar's aggregate classification.

Department of Pathology and Laboratory Medicine, Sinai Health System
Classification: Uncertain significance. Review status: no assertion criteria provided. Collection method: clinical testing. Allele origin: unknown. Affected: yes. Observed: 1 variant allele. Study: The Canadian Open Genetics Repository (COGR). Not counted in ClinVar's aggregate classification.

Literature cited by the submitters: PubMed 20104584 (cited by 4 submitters); PubMed 21520273 (cited by Women's Health and Genetics/Laboratory Corporation of America, LabCorp and Quest Diagnostics Nichols Institute San Juan Capistrano); PubMed 20167696 (cited by 3 submitters); PubMed 24326041 (cited by 3 submitters); PubMed 33293522 (cited by Women's Health and Genetics/Laboratory Corporation of America, LabCorp and Quest Diagnostics Nichols Institute San Juan Capistrano); PubMed 35263119 (cited by Women's Health and Genetics/Laboratory Corporation of America, LabCorp); PubMed 34326862 (cited by Women's Health and Genetics/Laboratory Corporation of America, LabCorp); PubMed 31131967 (cited by Ambry Genetics); PubMed 24817641 (cited by Quest Diagnostics Nichols Institute San Juan Capistrano and Counsyl); PubMed 33471991 (cited by Quest Diagnostics Nichols Institute San Juan Capistrano).